The following is an entry in ClinVar:

ClinVar aggregate classification (germline): Uncertain significance (1 of 4 stars; one submission).

gnomAD v4.1: 10 of 1,613,830 alleles (0.00062%); highest among the groups gnomAD compares: Admixed American, 0.015%; no homozygotes.

Submission:

GeneDx
Classification: Uncertain significance. Last evaluated: 2025-04-01. Review status: criteria provided, single submitter. Criteria: GeneDx Variant Classification Process June 2021. Collection method: clinical testing. Allele origin: germline. Affected: yes.
Comment: Not observed at significant frequency in large population cohorts (gnomAD); Missense variant in a gene in which most reported pathogenic variants are truncating/loss of function; Has not been previously published as pathogenic or benign to our knowledge

NM_001267550.2(TTN):c.9755C>T (p.Ser3252Phe)

Gene: TTN (titin; minus strand). Cytogenetic location: 2q31.2.
Variant type: single nucleotide variant.
Coding change: c.9755C>T on transcript NM_001267550.2 (MANE Select); coding-DNA position 9755, C replaced by T.
Protein change: p.Ser3252Phe; replaces serine 3252 with phenylalanine.
Molecular consequence: missense variant.
Genome position (GRCh38, 1-based): chr2:178,764,760, G>A on the plus strand (C>T on the coding strand, the complement: TTN is on the minus strand). VCF-style: chr2-178764760-G-A. GRCh37 (hg19) VCF-style: chr2-179629487-G-A.
Other names: c.9755C>T, p.Ser3252Phe (NM_001256850.1, NM_133378.4, NM_133379.5); c.9617C>T, p.Ser3206Phe (NM_003319.4, NM_133432.3, NM_133437.4); short protein forms S3206F, S3252F.
Identifiers: ClinVar variation 4278846 (VCV004278846.1).